The following is an entry in ClinVar:

ClinVar aggregate classification (germline): Pathogenic (1 of 4 stars; one submission).

Submission:

Labcorp Genetics (formerly Invitae), Labcorp
Classification: Pathogenic. Last evaluated: 2025-08-05. Review status: criteria provided, single submitter. Criteria: Invitae Variant Classification Sherloc (09022015). Collection method: clinical testing. Allele origin: germline.
Comment: This sequence change creates a premature translational stop signal (p.Gly122Argfs*47) in the COL13A1 gene. It is expected to result in an absent or disrupted protein product. Loss-of-function variants in COL13A1 are known to be pathogenic (PMID: 26626625). This variant is not present in population databases (gnomAD no frequency). This variant has not been reported in the literature in individuals affected with COL13A1-related conditions. For these reasons, this variant has been classified as Pathogenic.

Literature cited by the submitters: PubMed 26626625.

NM_001368882.1(COL13A1):c.362dup (p.Gly122fs)

Gene: COL13A1 (collagen type XIII alpha 1 chain; plus strand). Cytogenetic location: 10q22.1.
Variant type: Duplication.
Coding change: c.362dup on transcript NM_001368882.1 (MANE Select); coding-DNA position 362, one base duplicated (C; older notation c.362dupC).
Protein change: p.Gly122fs; shifts the reading frame from glycine 122.
Molecular consequence: frameshift variant. On other transcripts: 5 prime UTR variant (1).
Genome position (GRCh38, 1-based): chr10:69,822,436, C duplicated; the last of 2 consecutive C bases (chr10:69,822,435-69,822,436); duplicating either gives the same sequence. VCF-style (leftmost placement, unchanged base first): chr10-69822434-A-AC. GRCh37 (hg19) VCF-style: chr10-71582190-A-AC.
Other names: c.362dup, p.Gly122fs (NM_001130103.2, NM_001320951.2, NM_001368883.1 and 11 more transcripts); c.-292dup (NM_001368886.1); short protein forms G122fs.
Identifiers: ClinVar variation 4715602 (VCV004715602.1).